The following is an entry in ClinVar:

ClinVar aggregate classification (germline): Uncertain significance. Review status: reviewed by expert panel (3 of 4 stars). 2 submissions from 2 submitters: Uncertain significance (1). 1 of the submissions does not count toward it. Last evaluated 2025-02-28.

Conditions:
Type 2 diabetes mellitus. Also called: Type II diabetes mellitus. Identifiers: MedGen C0011860, MeSH D003924, MONDO:0005148, OMIM 125853, HP:0005978.
Fanconi renotubular syndrome 4 with maturity-onset diabetes of the young (FRTS4). Also called: FRTS4 WITH MODY. Identifiers: Orphanet 93111, MedGen C4014962, MONDO:0014458, OMIM 616026.
Maturity-onset diabetes of the young type 1. Also called: MILD JUVENILE DIABETES MELLITUS; MODY type 1; Diabetes mellitus MODY type 1; MODY HNF4A related; HNF4A-Related Maturity-Onset Diabetes of the Young Type 1; MODY, type I. Identifiers: Orphanet 552, MedGen C1852093, MONDO:0007452, OMIM 125850. Disease mechanism: loss of function.
Monogenic diabetes. Identifiers: Orphanet 183625, MedGen C3888631, MONDO:0015967.

gnomAD v4.1: 3 of 1,614,136 alleles (0.00019%); highest among the groups gnomAD compares: African/African-American, 0.0027%; no homozygotes.

Submissions (2):

ClinGen Monogenic Diabetes Variant Curation Expert Panel
Classification: Uncertain significance for Monogenic diabetes. Last evaluated: 2025-02-28. Review status: reviewed by expert panel. Criteria: ClinGen Diabetes ACMG Specifications HNF4A V2.0.0. Collection method: curation. Allele origin: germline. Inheritance: Autosomal dominant inheritance.
Comment: The c.461T>G variant in the hepatocyte nuclear factor 4-alpha gene, HNF4A, causes an amino acid change of isoleucine to serine at codon 154 (p.(Ile154Ser)) of NM_175914.4. This variant is absent from gnomAD v2.1.1 (PM2_Supporting). This variant was identified in two unrelated individuals with non-autoimmune and non-absolute/near-absolute insulin-deficient diabetes; however, PS4_Moderate cannot be applied because this number is below the ClinGen MDEP threshold (PMIDs: 31291970, internal lab contributors). One of these individuals did have a clinical history highly specific for HNF4A-monogenic diabetes (MODY probability calculator result >50%, negative genetic testing for HNF1A, and negative autoantibodies) (PP4_Moderate; PMID: 31291970, internal lab contributors). This variant segregated with diabetes with a single informative meioses in one family; however, this does not meet the thresholds for PP1 set by the ClinGen MDEP (PMID: 27236918, internal lab contributors). This variant has a REVEL score of 0.667, which is between the ClinGen MDEP thresholds for BP4 and PP3, predicting neither a damaging nor benign impact on HNF4A function. In summary, c.461T>G meets the criteria to be classified as a variant of uncertain significance for monogenic diabetes. ACMG/AMP criteria applied, as specified by the ClinGen MDEP (specification version 2.0.0, approved 10/11/2023): PP4_Moderate, PM2_Supporting.

Fulgent Genetics
Classification: Uncertain significance for Maturity-onset diabetes of the young type 1; Type 2 diabetes mellitus; Fanconi renotubular syndrome 4 with maturity-onset diabetes of the young. Last evaluated: 2024-03-14. Review status: criteria provided, single submitter. Criteria: ACMG Guidelines, 2015. Collection method: clinical testing. Allele origin: germline. Not counted in ClinVar's aggregate classification.

NM_175914.5(HNF4A):c.461T>G (p.Ile154Ser)

Gene: HNF4A (hepatocyte nuclear factor 4 alpha; plus strand). Cytogenetic location: 20q13.12.
Variant type: single nucleotide variant.
Coding change: c.461T>G on transcript NM_175914.5 (MANE Select); coding-DNA position 461, T replaced by G.
Protein change: p.Ile154Ser; replaces isoleucine 154 with serine.
Molecular consequence: missense variant.
Genome position (GRCh38, 1-based): chr20:44,414,541, T>G. VCF-style: chr20-44414541-T-G. GRCh37 (hg19) VCF-style: chr20-43043181-T-G.
Other names: NM_175914.5:c.461T>G; c.527T>G, p.Ile176Ser (NM_000457.6, NM_178849.3, NM_178850.3); c.461T>G, p.Ile154Ser (NM_001030003.3, NM_001030004.3); c.506T>G, p.Ile169Ser (NM_001258355.2); c.452T>G, p.Ile151Ser (NM_001287182.2, NM_001287183.2, NM_001287184.2); short protein forms I151S, I154S, I169S, I176S.
Identifiers: ClinVar variation 3587247 (VCV003587247.2).